The following is an entry in ClinVar:

NM_001365951.3(KIF1B):c.1660G>A (p.Gly554Arg)

Gene: KIF1B (kinesin family member 1B; plus strand). Cytogenetic location: 1p36.22.
Variant type: single nucleotide variant.
Coding change: c.1660G>A on transcript NM_001365951.3 (MANE Select); coding-DNA position 1660, G replaced by A.
Protein change: p.Gly554Arg; replaces glycine 554 with arginine.
Molecular consequence: missense variant.
Genome position (GRCh38, 1-based): chr1:10,295,155, G>A. VCF-style: chr1-10295155-G-A. GRCh37 (hg19) VCF-style: chr1-10355213-G-A.
Other names: c.1660G>A, p.Gly554Arg (NM_001365952.1); c.1522G>A, p.Gly508Arg (NM_001365953.1, NM_015074.3, NM_183416.4); short protein forms G508R, G554R.
Identifiers: ClinVar variation 3533867 (VCV003533867.1).

ClinVar aggregate classification (germline): Uncertain significance (1 of 4 stars; one submission).

Submission:

Ambry Genetics
Classification: Uncertain significance. Last evaluated: 2024-08-17. Review status: criteria provided, single submitter. Criteria: Ambry Variant Classification Scheme 2023. Collection method: clinical testing. Allele origin: germline.
Comment: The p.G508R variant (also known as c.1522G>A), located in coding exon 15 of the KIF1B gene, results from a G to A substitution at nucleotide position 1522. The glycine at codon 508 is replaced by arginine, an amino acid with dissimilar properties. This amino acid position is conserved. In addition, this alteration is predicted to be deleterious by in silico analysis. Based on the available evidence, the clinical significance of this variant remains unclear.